The following is an entry in ClinVar:

ClinVar aggregate classification (germline): Pathogenic/Likely pathogenic. Review status: criteria provided, multiple submitters, no conflicts (2 of 4 stars). 11 submissions from 9 submitters: Pathogenic (6); Likely pathogenic (4). 1 of the submissions does not count toward it. Last evaluated 2025-10-21.

Conditions:
Retinal dystrophy. Also called: Inherited retinal dystrophy. Identifiers: Orphanet 71862, MedGen C0854723, MeSH D058499, MONDO:0019118, HP:0000556.
Leber congenital amaurosis (LCA). Also called: Leber's amaurosis. Identifiers: Orphanet 65, MedGen C0339527, MeSH D057130, MONDO:0018998.
Leber congenital amaurosis 8 (LCA8). Identifiers: Orphanet 65, MedGen C3151202, MONDO:0013453, OMIM 613835.
Retinitis pigmentosa 12 (RP12). Also called: RP WITH OR WITHOUT PPRPE; RP WITH OR WITHOUT PRESERVED PARAARTERIOLE RETINAL PIGMENT EPITHELIUM; RETINITIS PIGMENTOSA WITH OR WITHOUT PARAARTERIOLAR PRESERVATION OF RETINAL PIGMENT EPITHELIUM. Identifiers: Orphanet 791, MedGen C1838647, MONDO:0010818, OMIM 600105.
Retinitis pigmentosa (RP). Identifiers: Orphanet 791, MedGen C0035334, MeSH D012174, MONDO:0019200, OMIM 268000. Inheritance: Autosomal dominant, autosomal recessive and X linked inheritance.
Autosomal recessive retinitis pigmentosa. Identifiers: MedGen C0339526.
CRB1-related disorder. Also called: CRB1-related condition; CRB1-related disorders.
Pigmented paravenous retinochoroidal atrophy. Identifiers: Orphanet 251295, MedGen C1868310, MONDO:0008246, OMIM 172870.

Allele frequency attached by ClinVar (database versions not stated): gnomAD exomes below 0.00001; TOPMed below 0.00001.

Submissions (11):

Labcorp Genetics (formerly Invitae), Labcorp
Classification: Pathogenic for Leber congenital amaurosis 8; Retinitis pigmentosa 12. Last evaluated: 2025-10-21. Review status: criteria provided, single submitter. Criteria: Invitae Variant Classification Sherloc (09022015). Collection method: clinical testing. Allele origin: germline.
Comment: This sequence change replaces glycine, which is neutral and non-polar, with arginine, which is basic and polar, at codon 477 of the CRB1 protein (p.Gly477Arg). This variant is not present in population databases (gnomAD no frequency). This missense change has been observed in individual(s) with cone-rod dystrophy, Leber congenital amaurosis, and/or retinitis pigmentosa (PMID: 21757580, 24715753, 29200130). In at least one individual the data is consistent with being in trans (on the opposite chromosome) from a pathogenic variant. It has also been observed to segregate with disease in related individuals. ClinVar contains an entry for this variant (Variation ID: 866829). Invitae Evidence Modeling of protein sequence and biophysical properties (such as structural, functional, and spatial information, amino acid conservation, physicochemical variation, residue mobility, and thermodynamic stability) indicates that this missense variant is expected to disrupt CRB1 protein function with a positive predictive value of 80%. For these reasons, this variant has been classified as Pathogenic.

Natera, Inc.
Classification: Pathogenic for Leber congenital amaurosis. Last evaluated: 2025-10-09. Review status: criteria provided, single submitter. Criteria: Natera Variant Classification Schema (03/2026). Collection method: clinical testing. Allele origin: germline.
Comment: The c.1429G>A variant in CRB1 is a missense variant predicted to cause substitution of glycine to arginine at amino acid 477. This variant is rare in the general population with a frequency below the threshold expected for the associated phenotype(s). This variant has been observed in one or more individuals affected with the associated recessive disease, as either homozygous or compound heterozygous with a second variant (PMID: 23105016, 29200130, 21757580, 24715753, 29343940). Additionally, this variant has been observed to segregate in affected family members (PMID: 23105016, 21757580, 29200130). Computational prediction algorithms indicate this variant is likely to affect gene or protein function. Given the available evidence, this variant is classified as Pathogenic.

Women's Health and Genetics/Laboratory Corporation of America, LabCorp
Classification: Pathogenic for Retinal dystrophy. Last evaluated: 2025-05-07. Review status: criteria provided, single submitter. Criteria: LabCorp Variant Classification Summary - May 2015. Collection method: clinical testing. Allele origin: germline.
Comment: Variant summary: CRB1 c.1429G>A (p.Gly477Arg) results in a non-conservative amino acid change in the encoded protein sequence. Algorithms developed to predict the effect of missense changes on protein structure and function all suggest that this variant is likely to be disruptive. The variant was absent in 251448 control chromosomes. c.1429G>A has been observed in multiple individuals affected with conerod dystrophy and diffuse retinal vascular leakage (example, AlSulaiman_2017). These data indicate that the variant is very likely to be associated with disease. To our knowledge, no experimental evidence demonstrating an impact on protein function has been reported. The following publication has been ascertained in the context of this evaluation (PMID: 29200130). ClinVar contains an entry for this variant (Variation ID: 866829). Based on the evidence outlined above, the variant was classified as pathogenic.

Baylor Genetics
Classification: Pathogenic for Leber congenital amaurosis 8. Last evaluated: 2024-03-14. Review status: criteria provided, single submitter. Criteria: ACMG Guidelines, 2015. Collection method: clinical testing. Allele origin: unknown.

Genomic Medicine Center of Excellence, King Faisal Specialist Hospital and Research Centre
Classification: Pathogenic for Retinitis pigmentosa 12. Last evaluated: 2024-03-14. Review status: criteria provided, single submitter. Criteria: ACMG Guidelines, 2015. Collection method: research. Allele origin: germline.

Genome-Nilou Lab
Classification: Likely pathogenic for Leber congenital amaurosis 8. Last evaluated: 2023-04-11. Review status: criteria provided, single submitter. Criteria: ACMG Guidelines, 2015. Collection method: clinical testing. Allele origin: germline. Affected: no.

Genome-Nilou Lab
Classification: Likely pathogenic for Pigmented paravenous retinochoroidal atrophy. Last evaluated: 2023-04-11. Review status: criteria provided, single submitter. Criteria: ACMG Guidelines, 2015. Collection method: clinical testing. Allele origin: germline. Affected: no.

Genome-Nilou Lab
Classification: Likely pathogenic for Retinitis pigmentosa 12. Last evaluated: 2023-04-11. Review status: criteria provided, single submitter. Criteria: ACMG Guidelines, 2015. Collection method: clinical testing. Allele origin: germline. Affected: no.

Broad Center for Mendelian Genomics, Broad Institute of MIT and Harvard
Classification: Likely pathogenic for Retinitis pigmentosa. Last evaluated: 2021-04-01. Review status: criteria provided, single submitter. Criteria: ACMG Guidelines, 2015. Collection method: curation. Allele origin: germline. Inheritance: Autosomal recessive inheritance. Affected: yes.
Comment: Through a review of available evidence we were able to apply the following criteria: PM2, PP3, PP1, PM3. Based on this evidence we have classified this variant as Likely Pathogenic. If you have any questions about the classification please reach out to the Pierce Lab.

Blueprint Genetics
Classification: Pathogenic for CRB1-related disorders. Last evaluated: 2019-08-05. Review status: criteria provided, single submitter. Criteria: ACMG Guidelines, 2015. Collection method: clinical testing. Allele origin: germline. Affected: yes. Observed: 4 variant alleles.

Faculty of Health Sciences, Beirut Arab University
Classification: Pathogenic for Autosomal recessive Retinitis Pigmentosa. Last evaluated: 2012-10-26. Review status: no assertion criteria provided. Collection method: literature only. Allele origin: germline. Affected: yes. Observed: 3 variant alleles. Not counted in ClinVar's aggregate classification.

Literature cited by the submitters: PubMed 21757580 (cited by 3 submitters); PubMed 24715753 (cited by 3 submitters); PubMed 29200130 (cited by 4 submitters); PubMed 23105016 (cited by 3 submitters); PubMed 29343940 (cited by Natera, Inc.); PubMed 34906470 (cited by Broad Center for Mendelian Genomics, Broad Institute of MIT and Harvard).

NM_201253.3(CRB1):c.1429G>A (p.Gly477Arg)

Gene: CRB1 (crumbs cell polarity complex component 1; plus strand). Cytogenetic location: 1q31.3.
Variant type: single nucleotide variant.
Coding change: c.1429G>A on transcript NM_201253.3 (MANE Select); coding-DNA position 1429, G replaced by A.
Protein change: p.Gly477Arg; replaces glycine 477 with arginine.
Molecular consequence: missense variant. On other transcripts: non-coding transcript variant (2).
Genome position (GRCh38, 1-based): chr1:197,421,257, G>A. VCF-style: chr1-197421257-G-A. GRCh37 (hg19) VCF-style: chr1-197390387-G-A.
Other names: c.1093G>A, p.Gly365Arg (NM_001193640.2); c.1222G>A, p.Gly408Arg (NM_001257965.2); c.1429G>A, p.Gly477Arg (NM_001257966.2); short protein forms G477R, G365R, G408R.
Identifiers: ClinVar variation 866829 (VCV000866829.22), dbSNP rs866822473, ClinGen allele CA35893461.